The following is an entry in ClinVar:

ClinVar aggregate classification (germline): Uncertain significance (1 of 4 stars; one submission).

Allele frequency attached by ClinVar (database versions not stated): ExAC 0.00001; gnomAD 0.00001; gnomAD exomes 0.00001.

Submission:

GeneDx
Classification: Uncertain significance. Last evaluated: 2023-05-01. Review status: criteria provided, single submitter. Criteria: GeneDx Variant Classification Process June 2021. Collection method: clinical testing. Allele origin: germline. Affected: yes.
Comment: Not observed at significant frequency in large population cohorts (gnomAD); In silico analysis supports that this missense variant has a deleterious effect on protein structure/function; Has not been previously published as pathogenic or benign to our knowledge

NM_001128228.3(TPRN):c.1508T>G (p.Val503Gly)

Gene: TPRN (taperin; minus strand). Cytogenetic location: 9q34.3.
Variant type: single nucleotide variant.
Coding change: c.1508T>G on transcript NM_001128228.3 (MANE Select); coding-DNA position 1508, T replaced by G.
Protein change: p.Val503Gly; replaces valine 503 with glycine.
Molecular consequence: missense variant.
Genome position (GRCh38, 1-based): chr9:137,199,204, A>C on the plus strand (T>G on the coding strand, the complement: TPRN is on the minus strand). VCF-style: chr9-137199204-A-C. GRCh37 (hg19) VCF-style: chr9-140093656-A-C.
Other names: short protein forms V503G.
Identifiers: ClinVar variation 2663038 (VCV002663038.1), dbSNP rs763986521, ClinGen allele CA5362722.
Genomic context (GRCh38, chr9:137,199,204, plus strand): 5'-TCCCTGTTGGCCTGACTGAAGTGCTGGTCCTGCAGAGTCCCTGGCTTCCTCTTGGGCACC[A>C]CTGTGAAGGTGTTGCTGCCCCGGGGCTGAAGCTCTGCCACGCACCCGGGCCTGGCAGGGT-3'
Protein context (NP_001121700.2, residues 493-513): LQPRGSNTFT[Val503Gly]VPKRKPGTLQ